The following is an entry in ClinVar:

NM_007294.4(BRCA1):c.5367T>G (p.Ala1789=)

Gene: BRCA1 (BRCA1 DNA repair associated; minus strand). Cytogenetic location: 17q21.31.
Variant type: single nucleotide variant.
Coding change: c.5367T>G on transcript NM_007294.4 (MANE Select); coding-DNA position 5367, T replaced by G.
Protein change: p.Ala1789=; no amino-acid change (alanine 1789 retained).
Molecular consequence: synonymous variant. On other transcripts: intron variant (19).
Genome position (GRCh38, 1-based): chr17:43,049,160, A>C on the plus strand (T>G on the coding strand, the complement: BRCA1 is on the minus strand). VCF-style: chr17-43049160-A-C. GRCh37 (hg19) VCF-style: chr17-41201177-A-C.
Other names: c.5207-1457T>G (NM_001407940.1, NM_001407939.1); c.5327-1457T>G (NM_001407861.1); c.5210-1457T>G (NM_001407938.1, NM_001407937.1); c.2021-1457T>G (NM_001408472.1, NM_007299.4); c.5333-1457T>G (NM_001407854.1); c.5189-1457T>G (NM_001407943.1, NM_001407944.1, NM_001407945.1); c.2018-1457T>G (NM_001408473.1); c.5330-1457T>G (NM_001407860.1, NM_001407858.1, NM_001407859.1); and 84 more.
Identifiers: ClinVar variation 865387 (VCV000865387.3), dbSNP rs1597801572, ClinGen allele CA500143302.

Conditions:
Breast-ovarian cancer, familial, susceptibility to, 1 (BROVCA1). Also called: BRCA1 Hereditary Breast and Ovarian Cancer; OVARIAN CANCER, SUSCEPTIBILITY TO. Identifiers: Orphanet 145, MedGen C2676676, MONDO:0011450, OMIM 604370. Disease mechanism: loss of function.

Submission:

Brotman Baty Institute, University of Washington
No classification provided (evidence only). Condition: Breast-ovarian cancer, familial 1. Review status: no classification provided. Collection method: in vitro. Allele origin: not applicable. Functional consequence: functionally_normal.
ClinVar note: "not provided" was previously submitted as the classification for the variant. However, the classification appeared to be based only on an observation of functional data so it was converted to no classification on 2025-07-30.